The following is an entry in ClinVar:

ClinVar aggregate classification (germline): Likely benign (0 of 4 stars; one submission).

Conditions:
DPP10-related disorder. Also called: DPP10-related condition.

Allele frequency attached by ClinVar (database versions not stated): 1000 Genomes Project 30x 0.00016; ExAC 0.00016.
gnomAD v4.1: 524 of 1,438,152 alleles (0.036%); highest among the groups gnomAD compares: Non-Finnish European, 0.043%; no homozygotes.

Submission:

PreventionGenetics, part of Exact Sciences
Classification: Likely benign for DPP10-related condition. Last evaluated: 2023-04-20. Review status: no assertion criteria provided. Collection method: clinical testing. Allele origin: germline.
Comment: This variant is classified as likely benign based on ACMG/AMP sequence variant interpretation guidelines (Richards et al. 2015 PMID: 25741868, with internal and published modifications).

NM_020868.6(DPP10):c.61-147289G>T

Gene: DPP10 (dipeptidyl peptidase like 10; plus strand). Cytogenetic location: 2q14.1.
Variant type: single nucleotide variant.
Coding change: c.61-147289G>T on transcript NM_020868.6 (MANE Select); 147289 bases into the intron before coding-DNA position 61, G replaced by T.
Molecular consequence: intron variant. On other transcripts: 5 prime UTR variant (5).
Genome position (GRCh38, 1-based): chr2:115,161,950, G>T. VCF-style: chr2-115161950-G-T. GRCh37 (hg19) VCF-style: chr2-115919527-G-T.
Other names: c.-7G>T (NM_001178034.1); c.-156G>T (NM_001321906.2); c.-776G>T (NM_001321914.2); c.-811G>T (NM_001399850.1); c.-424G>T (NM_001399851.1); c.-90-147289G>T (NM_001321910.3, NM_001178036.3, NM_001321912.3 and 1 more transcripts); c.-91+111731G>T (NM_001399849.1); c.61-147289G>T (NM_001321907.3); and 4 more.
Identifiers: ClinVar variation 3051515 (VCV003051515.2), dbSNP rs771603033, ClinGen allele CA1842695.
Genomic context (GRCh38, chr2:115,161,950, plus strand): 5'-TGCCAAGTGACGGTCCCCGAGTCTGAAGCGCCCGCGAGGAAGCGAGCGCCAGCGCGGGCC[G>T]CCGGCGATGACGGCCGCGAAGCAGGAGCCGCAGCCCACCCCGGGGGCCAGGGCGAGCCAG-3'